The following is an entry in ClinVar:

NM_005559.4(LAMA1):c.2932_2933delinsG (p.Lys978fs)

Gene: LAMA1 (laminin subunit alpha 1; minus strand). Cytogenetic location: 18p11.31.
Variant type: Indel.
Coding change: c.2932_2933delinsG on transcript NM_005559.4 (MANE Select); coding-DNA positions 2932 to 2933, AA replaced by G.
Protein change: p.Lys978fs; shifts the reading frame from lysine 978.
Molecular consequence: frameshift variant.
Genome position (GRCh38, 1-based): chr18:7,016,547-7,016,548, TT replaced by C on the plus strand (AA replaced by G on the coding strand, the reverse complement: LAMA1 is on the minus strand). VCF-style: chr18-7016547-TT-C. GRCh37 (hg19) VCF-style: chr18-7016546-TT-C.
Other names: c.2932_2933delAAinsG (NM_005559.4); short protein forms K978fs.
Identifiers: ClinVar variation 1804139 (VCV001804139.1), dbSNP rs2510073844, ClinGen allele CA2580095899.
Genomic context (GRCh38, chr18:7,016,547, plus strand): 5'-TTACGTGTACAGCTACCATCCTGGTAGGCGTAGAAGCCATGGGCACACCTGTCACACCTT[TT>C]CCCTGCCACACCTGGGACACAGTGACACTGGCCTTCATCCGTGCAGCCATCTGACACGGA-3'

ClinVar aggregate classification (germline): Pathogenic (1 of 4 stars; one submission).

Conditions:
Ataxia - intellectual disability - oculomotor apraxia - cerebellar cysts syndrome. Also called: Poretti-Boltshauser syndrome. Identifiers: Orphanet 370022, MedGen C4014821, MONDO:0014419, OMIM 615960.

Submission:

Institute of Human Genetics, University of Leipzig Medical Center
Classification: Pathogenic for Ataxia - intellectual disability - oculomotor apraxia - cerebellar cysts syndrome. Last evaluated: 2022-11-25. Review status: criteria provided, single submitter. Criteria: ACMG Guidelines, 2015. Collection method: clinical testing. Allele origin: unknown. Affected: yes.
Comment: This variant was identified as compound heterozygous with NM_005559.4:c.7452+1G>A._x000D_ Criteria applied: PVS1, PM3_STR, PM2_SUP